The following is an entry in ClinVar:

ClinVar aggregate classification (germline): Likely benign (0 of 4 stars; one submission).

Conditions:
XIST-related disorder. Also called: XIST-related condition.

Allele frequency attached by ClinVar (database versions not stated): 1000 Genomes Project 30x 0.00604; 1000 Genomes Project 0.00662; TOPMed 0.01365; gnomAD 0.01657; ESP Exome Variant Server 0.01968; gnomAD exomes 0.01975; ExAC 0.02352.
gnomAD v4.1: 10,472 of 551,834 alleles (1.9%); highest among the groups gnomAD compares: Non-Finnish European, 2.4%; 111 homozygotes.

Submission:

PreventionGenetics, part of Exact Sciences
Classification: Likely benign for XIST-related condition. Last evaluated: 2019-10-14. Review status: no assertion criteria provided. Collection method: clinical testing. Allele origin: germline.
Comment: This variant is classified as likely benign based on ACMG/AMP sequence variant interpretation guidelines (Richards et al. 2015 PMID: 25741868, with internal and published modifications).

NR_001564.3(XIST):n.10231C>T

Gene: XIST (X inactive specific transcript; minus strand). Cytogenetic location: Xq13.2.
Variant type: single nucleotide variant.
Genome position: GRCh38 VCF-style: chrX-73842484-G-A. GRCh37 (hg19) VCF-style: chrX-73062319-G-A.
Identifiers: ClinVar variation 3041442 (VCV003041442.2), dbSNP rs142303653, ClinGen allele CA10452673.